The following is an entry in ClinVar:

ClinVar aggregate classification (germline): Uncertain significance (1 of 4 stars; one submission).

gnomAD v4.1: 2 of 1,591,612 alleles (0.00013%); highest among the groups gnomAD compares: Non-Finnish European, 0.000086%; no homozygotes.

Submission:

Labcorp Genetics (formerly Invitae), Labcorp
Classification: Uncertain significance. Last evaluated: 2021-12-24. Review status: criteria provided, single submitter. Criteria: Invitae Variant Classification Sherloc (09022015). Collection method: clinical testing. Allele origin: germline.
Comment: This sequence change replaces leucine, which is neutral and non-polar, with serine, which is neutral and polar, at codon 2024 of the SORL1 protein (p.Leu2024Ser). The frequency data for this variant in the population databases is considered unreliable, as metrics indicate poor data quality at this position in the gnomAD database. This variant has not been reported in the literature in individuals affected with SORL1-related conditions. Algorithms developed to predict the effect of missense changes on protein structure and function are either unavailable or do not agree on the potential impact of this missense change (SIFT: "Deleterious"; PolyPhen-2: "Probably Damaging"; Align-GVGD: "Class C0"). In summary, the available evidence is currently insufficient to determine the role of this variant in disease. Therefore, it has been classified as a Variant of Uncertain Significance.

NM_003105.6(SORL1):c.6071T>C (p.Leu2024Ser)

Gene: SORL1 (sortilin related receptor 1; plus strand). Cytogenetic location: 11q24.1.
Variant type: single nucleotide variant.
Coding change: c.6071T>C on transcript NM_003105.6 (MANE Select); coding-DNA position 6071, T replaced by C.
Protein change: p.Leu2024Ser; replaces leucine 2024 with serine.
Molecular consequence: missense variant.
Genome position (GRCh38, 1-based): chr11:121,622,168, T>C. VCF-style: chr11-121622168-T-C. GRCh37 (hg19) VCF-style: chr11-121492877-T-C.
Other names: short protein forms L2024S.
Identifiers: ClinVar variation 1965368 (VCV001965368.5), dbSNP rs1255843710, ClinGen allele CA383044423.